The following is an entry in ClinVar:

ClinVar aggregate classification (germline): Uncertain significance (1 of 4 stars; one submission).

Conditions:
Hereditary cancer-predisposing syndrome. Also called: Neoplastic Syndromes, Hereditary; Hereditary Cancer Syndrome; Hereditary neoplastic syndrome; Tumor predisposition. Identifiers: Orphanet 140162, MedGen C0027672, MeSH D009386, MONDO:0015356.

Submission:

Labcorp Genetics (formerly Invitae), Labcorp
Classification: Uncertain significance for Hereditary cancer-predisposing syndrome. Last evaluated: 2023-03-01. Review status: criteria provided, single submitter. Criteria: Invitae Variant Classification Sherloc (09022015). Collection method: clinical testing. Allele origin: germline.
Comment: This sequence change replaces lysine, which is basic and polar, with arginine, which is basic and polar, at codon 279 of the RAD50 protein (p.Lys279Arg). This variant is not present in population databases (gnomAD no frequency). In summary, the available evidence is currently insufficient to determine the role of this variant in disease. Therefore, it has been classified as a Variant of Uncertain Significance. Advanced modeling of protein sequence and biophysical properties (such as structural, functional, and spatial information, amino acid conservation, physicochemical variation, residue mobility, and thermodynamic stability) performed at Invitae indicates that this missense variant is not expected to disrupt RAD50 protein function. This variant has not been reported in the literature in individuals affected with RAD50-related conditions.

NM_005732.4(RAD50):c.836A>G (p.Lys279Arg)

Gene: RAD50 (RAD50 double strand break repair protein; plus strand). Cytogenetic location: 5q31.1.
Variant type: single nucleotide variant.
Coding change: c.836A>G on transcript NM_005732.4 (MANE Select); coding-DNA position 836, A replaced by G.
Protein change: p.Lys279Arg; replaces lysine 279 with arginine.
Molecular consequence: missense variant.
Genome position (GRCh38, 1-based): chr5:132,587,641, A>G. VCF-style: chr5-132587641-A-G. GRCh37 (hg19) VCF-style: chr5-131923333-A-G.
Other names: short protein forms K279R.
Identifiers: ClinVar variation 2841666 (VCV002841666.3), dbSNP rs2479631800, ClinGen allele CA360940327.